The following is an entry in ClinVar:

ClinVar aggregate classification (germline): Benign/Likely benign. Review status: criteria provided, multiple submitters, no conflicts (2 of 4 stars). 7 submissions from 7 submitters: Benign (4); Likely benign (1). 2 of the submissions do not count toward it. Last evaluated 2026-02-04.

Conditions:
Jeune thoracic dystrophy. Also called: Jeune syndrome; Infantile thoracic dystrophy; Thoracic pelvic phalangeal dystrophy; Jeune's syndrome; Chondroectodermal dysplasia-like syndrome; Short-rib thoracic dysplasia. Identifiers: Orphanet 474, MedGen C0265275, MONDO:0018770.
Asphyxiating thoracic dystrophy 3. Also called: Saldino-Noonan Syndrome; POLYDACTYLY WITH NEONATAL CHONDRODYSTROPHY, TYPE I; SHORT-RIB THORACIC DYSPLASIA 3/6 WITH POLYDACTYLY, DIGENIC; SHORT-RIB THORACIC DYSPLASIA 3 WITH OR WITHOUT POLYDACTYLY; Short rib polydactyly syndrome 2B. Identifiers: Orphanet 474, Orphanet 93269, Orphanet 93270, Orphanet 93271, MedGen C0036069, MONDO:0013127, OMIM 613091.

Allele frequency attached by ClinVar (database versions not stated): 1000 Genomes Project 30x 0.01109; ESP Exome Variant Server 0.01109; TOPMed 0.01134; 1000 Genomes Project 0.01158; gnomAD 0.01194 and 0.01215; gnomAD exomes 0.01509 and 0.01629; ExAC 0.02668.
gnomAD v4.1: 23,100 of 1,565,512 alleles (1.5%); highest among the groups gnomAD compares: Admixed American, 2.4%; 226 homozygotes.

Submissions (7):

Labcorp Genetics (formerly Invitae), Labcorp
Classification: Benign for Jeune thoracic dystrophy. Last evaluated: 2026-02-04. Review status: criteria provided, single submitter. Criteria: Invitae Variant Classification Sherloc (09022015). Collection method: clinical testing. Allele origin: germline.

ARUP Laboratories, Molecular Genetics and Genomics, ARUP Laboratories
Classification: Benign for Asphyxiating thoracic dystrophy 3. Last evaluated: 2023-11-01. Review status: criteria provided, single submitter. Criteria: ARUP Molecular Germline Variant Investigation Process 2024. Collection method: clinical testing. Allele origin: germline.

Illumina Laboratory Services, Illumina
Classification: Benign for Asphyxiating thoracic dystrophy 3. Last evaluated: 2018-01-12. Review status: criteria provided, single submitter. Criteria: ICSL Variant Classification Criteria 13 December 2019. Collection method: clinical testing. Allele origin: germline.
Comment: This variant was observed in the ICSL laboratory as part of a predisposition screen in an ostensibly healthy population. It had not been previously curated by ICSL or reported in the Human Gene Mutation Database (HGMD: prior to June 1st, 2018), and was therefore a candidate for classification through an automated scoring system. Utilizing variant allele frequency, disease prevalence and penetrance estimates, and inheritance mode, an automated score was calculated to assess if this variant is too frequent to cause the disease. Based on the score and internal cut-off values, a variant classified as benign is not then subjected to further curation. The score for this variant resulted in a classification of benign for this disease.

GeneDx
Classification: Benign. Last evaluated: 2017-05-24. Review status: criteria provided, single submitter. Criteria: GeneDx Variant Classification (06012015). Collection method: clinical testing. Allele origin: germline. Affected: yes.
Comment: This variant is considered likely benign or benign based on one or more of the following criteria: it is a conservative change, it occurs at a poorly conserved position in the protein, it is predicted to be benign by multiple in silico algorithms, and/or has population frequency not consistent with disease.

Breakthrough Genomics
Classification: Likely benign. Review status: criteria provided, single submitter. Criteria: ACMG Guidelines, 2015. Collection method: not provided. Allele origin: germline. Inheritance: Autosomal recessive inheritance. Affected: yes.

Joint Genome Diagnostic Labs from Nijmegen and Maastricht, Radboudumc and MUMC+
Classification: Benign. Review status: no assertion criteria provided. Collection method: clinical testing. Allele origin: germline. Affected: yes. Study: VKGL Data-share Consensus. Not counted in ClinVar's aggregate classification.

Laboratory of Diagnostic Genome Analysis, Leiden University Medical Center (LUMC)
Classification: Likely benign. Review status: no assertion criteria provided. Collection method: clinical testing. Allele origin: germline. Affected: yes. Study: VKGL Data-share Consensus. Not counted in ClinVar's aggregate classification.

NM_001377.3(DYNC2H1):c.2860G>A (p.Glu954Lys)

Gene: DYNC2H1 (dynein cytoplasmic 2 heavy chain 1; plus strand). Cytogenetic location: 11q22.3.
Variant type: single nucleotide variant.
Coding change: c.2860G>A on transcript NM_001377.3 (MANE Select); coding-DNA position 2860, G replaced by A.
Protein change: p.Glu954Lys; replaces glutamic acid 954 with lysine.
Molecular consequence: missense variant.
Genome position (GRCh38, 1-based): chr11:103,148,531, G>A. VCF-style: chr11-103148531-G-A. GRCh37 (hg19) VCF-style: chr11-103019260-G-A.
Other names: c.2860G>A, p.Glu954Lys (NM_001080463.2); short protein forms E954K.
Identifiers: ClinVar variation 188134 (VCV000188134.30), dbSNP rs61898615, ClinGen allele CA334132.